The following is an entry in ClinVar:

NM_017780.4(CHD7):c.6784G>A (p.Val2262Ile)

Gene: CHD7 (chromodomain helicase DNA binding protein 7; plus strand). Cytogenetic location: 8q12.2.
Variant type: single nucleotide variant.
Coding change: c.6784G>A on transcript NM_017780.4 (MANE Select); coding-DNA position 6784, G replaced by A.
Protein change: p.Val2262Ile; replaces valine 2262 with isoleucine.
Molecular consequence: missense variant. On other transcripts: intron variant (1).
Genome position (GRCh38, 1-based): chr8:60,854,371, G>A. VCF-style: chr8-60854371-G-A. GRCh37 (hg19) VCF-style: chr8-61766930-G-A.
Other names: c.1717-7858G>A (NM_001316690.1); short protein forms V2262I.
Identifiers: ClinVar variation 3603560 (VCV003603560.2).
Genomic context (GRCh38, chr8:60,854,371, plus strand): 5'-CAGTTTCCCTGATACTGTGGTTGTGAGTAATGCACATTAACTCATTTCTCAGCAGGAGCT[G>A]TCTCTAGAGGGAAGAATTTTGATGAAGAAAGCAATGCTTCCATGAGCACTGCTAGAGATG-3'
Protein context (NP_060250.2, residues 2252-2272): EESSQPEAGA[Val2262Ile]SRGKNFDEES

ClinVar aggregate classification (germline): Uncertain significance (1 of 4 stars; one submission).

Conditions:
CHARGE syndrome (CHARGE). Also called: Hittner Hirsch Kreh syndrome; CHARGE ASSOCIATION--COLOBOMA, HEART ANOMALY, CHOANAL ATRESIA, RETARDATION, GENITAL AND EAR ANOMALIES; Coloboma, heart anomaly, choanal atresia, retardation, genital and ear anomalies; CHARGE association; Hall-Hittner syndrome. Identifiers: Orphanet 138, MedGen C0265354, MONDO:0008965.

Submission:

Labcorp Genetics (formerly Invitae), Labcorp
Classification: Uncertain significance for CHARGE syndrome. Last evaluated: 2024-11-08. Review status: criteria provided, single submitter. Criteria: Invitae Variant Classification Sherloc (09022015). Collection method: clinical testing. Allele origin: germline.
Comment: This sequence change replaces valine, which is neutral and non-polar, with isoleucine, which is neutral and non-polar, at codon 2262 of the CHD7 protein (p.Val2262Ile). This variant is not present in population databases (gnomAD no frequency). This variant has not been reported in the literature in individuals affected with CHD7-related conditions. Invitae Evidence Modeling of protein sequence and biophysical properties (such as structural, functional, and spatial information, amino acid conservation, physicochemical variation, residue mobility, and thermodynamic stability) indicates that this missense variant is not expected to disrupt CHD7 protein function with a negative predictive value of 95%. In summary, the available evidence is currently insufficient to determine the role of this variant in disease. Therefore, it has been classified as a Variant of Uncertain Significance.